The following is an entry in ClinVar:

NM_033380.3(COL4A5):c.4172G>T (p.Gly1391Val)

Gene: COL4A5 (collagen type IV alpha 5 chain; plus strand). Cytogenetic location: Xq22.3.
Variant type: single nucleotide variant.
Coding change: c.4172G>T on transcript NM_033380.3 (MANE Select); coding-DNA position 4172, G replaced by T.
Protein change: p.Gly1391Val; replaces glycine 1391 with valine.
Molecular consequence: missense variant.
Genome position (GRCh38, 1-based): chrX:108,681,844, G>T. VCF-style: chrX-108681844-G-T. GRCh37 (hg19) VCF-style: chrX-107925074-G-T.
Other names: c.4154G>T, p.Gly1385Val (NM_000495.5); short protein forms G1391V, G1385V.
Identifiers: ClinVar variation 2747780 (VCV002747780.4), dbSNP rs2068437273, ClinGen allele CA413852277.
Genomic context (GRCh38, chrX:108,681,844, plus strand): 5'-CAGGACAGAGTATCATAATTAAAGGAGATGCTGGTCCTCCAGGAATCCCTGGCCAGCCTG[G>T]GCTAAAGGGTCTACCAGGACCCCAAGGACCTCAAGGCTTACCAGGTACCAATGCAGATCA-3'
Protein context (NP_203699.1, residues 1381-1401): AGPPGIPGQP[Gly1391Val]LKGLPGPQGP

ClinVar aggregate classification (germline): Likely pathogenic. Review status: criteria provided, multiple submitters, no conflicts (2 of 4 stars). 2 submissions from 2 submitters: Likely pathogenic (2). Last evaluated 2024-04-27.

Conditions:
X-linked Alport syndrome (ATS1). Also called: COL4A5-Related Nephropathy; NEPHROPATHY AND DEAFNESS, X-LINKED. Identifiers: Orphanet 63, Orphanet 88917, MedGen C4746986, MONDO:0010520, OMIM 301050.

Allele frequency attached by ClinVar (database versions not stated): TOPMed below 0.00001.

Submissions (2):

Fulgent Genetics
Classification: Likely pathogenic for X-linked Alport syndrome. Last evaluated: 2024-04-27. Review status: criteria provided, single submitter. Criteria: ACMG Guidelines, 2015. Collection method: clinical testing. Allele origin: germline.

Labcorp Genetics (formerly Invitae), Labcorp
Classification: Likely pathogenic. Last evaluated: 2023-12-11. Review status: criteria provided, single submitter. Criteria: Invitae Variant Classification Sherloc (09022015). Collection method: clinical testing. Allele origin: germline.
Comment: This sequence change replaces glycine, which is neutral and non-polar, with valine, which is neutral and non-polar, at codon 1385 of the COL4A5 protein (p.Gly1385Val). This variant is not present in population databases (gnomAD no frequency). This variant has not been reported in the literature in individuals affected with COL4A5-related conditions. Advanced modeling of protein sequence and biophysical properties (such as structural, functional, and spatial information, amino acid conservation, physicochemical variation, residue mobility, and thermodynamic stability) performed at Invitae indicates that this missense variant is expected to disrupt COL4A5 protein function with a positive predictive value of 95%. This variant disrupts the triple helix domain of COL4A5. Glycine residues within the Gly-Xaa-Yaa repeats of the triple helix domain are required for the structure and stability of fibrillar collagens (PMID: 7695699, 8218237, 19344236). In COL4A5, missense variants at these glycine residues are significantly enriched in individuals with disease (PMID: 23720012, 27627812) compared to the general population (ExAC). In summary, the currently available evidence indicates that the variant is pathogenic, but additional data are needed to prove that conclusively. Therefore, this variant has been classified as Likely Pathogenic.

Literature cited by the submitters: PubMed 7695699 (cited by Labcorp Genetics (formerly Invitae), Labcorp); PubMed 8218237 (cited by Labcorp Genetics (formerly Invitae), Labcorp); PubMed 19344236 (cited by Labcorp Genetics (formerly Invitae), Labcorp); PubMed 23720012 (cited by Labcorp Genetics (formerly Invitae), Labcorp); PubMed 27627812 (cited by Labcorp Genetics (formerly Invitae), Labcorp).